The following is an entry in ClinVar:

ClinVar aggregate classification (germline): Conflicting classifications of pathogenicity. Review status: criteria provided, conflicting classifications (1 of 4 stars). 10 submissions from 10 submitters: Pathogenic (1); Uncertain significance (7); Likely benign (2). Last evaluated 2026-06-19.

Conditions:
Autosomal dominant nonsyndromic hearing loss 4A. Also called: Deafness, autosomal dominant 4A. Identifiers: Orphanet 90635, MedGen C1833503, MONDO:0010915, OMIM 600652.
Peripheral neuropathy-myopathy-hoarseness-hearing loss syndrome. Identifiers: Orphanet 397744, MedGen C3280556, MONDO:0013711, OMIM 614369.
MYH14-related disorder. Also called: MYH14-related condition.

Allele frequency attached by ClinVar (database versions not stated): ExAC 0.00004; gnomAD exomes 0.00004 and 0.00006; gnomAD 0.00011; TOPMed 0.00015; 1000 Genomes Project 30x 0.00016; 1000 Genomes Project 0.00020.
gnomAD v4.1: 101 of 1,613,496 alleles (0.0063%); highest among the groups gnomAD compares: Admixed American, 0.027%; no homozygotes.

Submissions (10):

PreventionGenetics, part of Exact Sciences
Classification: Uncertain significance for MYH14-related condition. Last evaluated: 2026-06-19. Review status: criteria provided, single submitter. Criteria: ACMG Guidelines, 2015. Collection method: clinical testing. Allele origin: germline.
Comment: The MYH14 c.1067C>T variant is predicted to result in the amino acid substitution p.Thr356Met. To our knowledge, this variant has not been reported in the literature. This variant is reported in 0.0078% of alleles in individuals of European (Non-Finnish) descent in gnomAD. At this time, the clinical significance of this variant is uncertain due to the absence of conclusive functional and genetic evidence.

Women's Health and Genetics/Laboratory Corporation of America, LabCorp
Classification: Likely benign. Last evaluated: 2025-12-09. Review status: criteria provided, single submitter. Criteria: LabCorp Variant Classification Summary - May 2015. Collection method: clinical testing. Allele origin: germline.
Comment: Variant summary: MYH14 c.1043C>T (p.Thr348Met), also annotated as NM_001145809 c.1067C>T (p.Thr356Met), results in a non-conservative amino acid change in the encoded protein sequence. Algorithms developed to predict the effect of missense changes on protein structure and function all suggest that this variant is likely to be disruptive. The variant allele was found at a frequency of 6.3e-05 in 1613496 control chromosomes, predominantly at a frequency of 0.00027 within the Latino subpopulation in the gnomAD database. The observed variant frequency within Latino control individuals in the gnomAD database exceeds the estimated maximal expected allele frequency for disease-causing variants in MYH14. c.1043C>T has been observed in at least two individuals affected with hearing loss, one of whom was also affected with peripheral neuropathy and harbored a 1.4Mb deletion of PMP22, although in both cases no segregation data was available (Sommen_2016, Lerat_2019). To our knowledge, no experimental evidence demonstrating an impact on protein function has been reported. The following publications have been ascertained in the context of this evaluation (PMID: 31393079, 27068579). ClinVar contains an entry for this variant (Variation ID: 1217467). Based on the evidence outlined above, the variant was classified as likely benign.

Labcorp Genetics (formerly Invitae), Labcorp
Classification: Uncertain significance. Last evaluated: 2025-10-23. Review status: criteria provided, single submitter. Criteria: Invitae Variant Classification Sherloc (09022015). Collection method: clinical testing. Allele origin: germline.
Comment: This sequence change replaces threonine, which is neutral and polar, with methionine, which is neutral and non-polar, at codon 348 of the MYH14 protein (p.Thr348Met). This variant is present in population databases (rs151082668, gnomAD 0.007%). This missense change has been observed in individual(s) with MYH14-related conditions (PMID: 27068579, 31393079). This missense change has been observed in at least one individual who was not affected with MYH14-related conditions (internal data). This variant is also known as NM_001145809.1:c.1067C>T (p.Thr356Met). ClinVar contains an entry for this variant (Variation ID: 1217467). Invitae Evidence Modeling of protein sequence and biophysical properties (such as structural, functional, and spatial information, amino acid conservation, physicochemical variation, residue mobility, and thermodynamic stability) indicates that this missense variant is expected to disrupt MYH14 protein function with a positive predictive value of 80%. In summary, the available evidence is currently insufficient to determine the role of this variant in disease. Therefore, it has been classified as a Variant of Uncertain Significance.

CeGaT Center for Human Genetics Tuebingen
Classification: Likely benign. Last evaluated: 2025-07-01. Review status: criteria provided, single submitter. Criteria: CeGaT Center For Human Genetics Tuebingen Variant Classification Criteria Version 2. Collection method: clinical testing. Allele origin: germline. Affected: yes. Observed: 1 variant allele.
Comment: MYH14: BS2

GeneDx
Classification: Uncertain significance. Last evaluated: 2024-08-07. Review status: criteria provided, single submitter. Criteria: GeneDx Variant Classification Process June 2021. Collection method: clinical testing. Allele origin: germline. Affected: yes.
Comment: Observed in a patient with hearing loss, however, no additional information was available (PMID: 27068579); In silico analysis supports that this missense variant has a deleterious effect on protein structure/function; This variant is associated with the following publications: (PMID: 31393079, 27068579)

Laboratory of Prof. Karen Avraham, Tel Aviv University
Classification: Pathogenic for Autosomal dominant nonsyndromic hearing loss 4A. Last evaluated: 2024-05-30. Review status: criteria provided, single submitter. Criteria: ACMG Guidelines, 2015. Collection method: research. Allele origin: germline. Affected: yes. Observed: 1 variant allele.
Comment: Pathogenic by Deafness Variation Database based on PMID:31393079

DFNA4A; sloping audiogram, mild-severe HL

Fulgent Genetics
Classification: Uncertain significance for Autosomal dominant nonsyndromic hearing loss 4A; Peripheral neuropathy-myopathy-hoarseness-hearing loss syndrome. Last evaluated: 2024-03-26. Review status: criteria provided, single submitter. Criteria: ACMG Guidelines, 2015. Collection method: clinical testing. Allele origin: germline.

Blueprint Genetics
Classification: Uncertain significance. Last evaluated: 2023-12-15. Review status: criteria provided, single submitter. Criteria: ACMG Guidelines, 2015. Collection method: clinical testing. Allele origin: germline.

ARUP Laboratories, Molecular Genetics and Genomics, ARUP Laboratories
Classification: Uncertain significance. Last evaluated: 2023-08-24. Review status: criteria provided, single submitter. Criteria: ARUP Molecular Germline Variant Investigation Process 2024. Collection method: clinical testing. Allele origin: germline.

Clinical Genetics Laboratory, Skane University Hospital Lund
Classification: Uncertain significance. Last evaluated: 2022-05-27. Review status: criteria provided, single submitter. Criteria: ACMG Guidelines, 2015. Collection method: clinical testing. Allele origin: germline. Affected: yes.

Literature cited by the submitters: PubMed 27068579 (cited by Women's Health and Genetics/Laboratory Corporation of America, LabCorp and Labcorp Genetics (formerly Invitae), Labcorp); PubMed 31393079 (cited by Women's Health and Genetics/Laboratory Corporation of America, LabCorp and Labcorp Genetics (formerly Invitae), Labcorp).

NM_001145809.2(MYH14):c.1067C>T (p.Thr356Met)

Gene: MYH14 (myosin heavy chain 14; plus strand). Cytogenetic location: 19q13.33.
Variant type: single nucleotide variant.
Coding change: c.1067C>T on transcript NM_001145809.2 (MANE Select); coding-DNA position 1067, C replaced by T.
Protein change: p.Thr356Met; replaces threonine 356 with methionine.
Molecular consequence: missense variant.
Genome position (GRCh38, 1-based): chr19:50,232,023, C>T. VCF-style: chr19-50232023-C-T. GRCh37 (hg19) VCF-style: chr19-50735280-C-T.
Other names: c.1067C>T (NM_001145809.1); c.1067C>T, p.Thr356Met (NM_001077186.2); c.1043C>T, p.Thr348Met (NM_024729.4); short protein forms T348M, T356M.
Identifiers: ClinVar variation 1217467 (VCV001217467.25), dbSNP rs151082668, ClinGen allele CA9592487.